The following is an entry in ClinVar:

ClinVar aggregate classification (germline): Uncertain significance (1 of 4 stars; one submission).

Conditions:
Charcot-Marie-Tooth disease type 4. Also called: Charcot-Marie-Tooth disease, type IV; Charcot-Marie-Tooth, Type 4. Identifiers: Orphanet 64749, MedGen C4082197, MONDO:0018995.

Allele frequency attached by ClinVar (database versions not stated): gnomAD exomes below 0.00001; TOPMed below 0.00001.
gnomAD v4.1: 1 of 1,614,074 alleles (0.000062%); highest among the groups gnomAD compares: Non-Finnish European, 0.000085%; no homozygotes.

Submission:

Labcorp Genetics (formerly Invitae), Labcorp
Classification: Uncertain significance for Charcot-Marie-Tooth disease type 4. Last evaluated: 2018-01-03. Review status: criteria provided, single submitter. Criteria: Invitae Variant Classification Sherloc (09022015). Collection method: clinical testing. Allele origin: germline.
Comment: This sequence change replaces aspartic acid with asparagine at codon 590 of the SBF2 protein (p.Asp590Asn). The aspartic acid residue is weakly conserved and there is a small physicochemical difference between aspartic acid and asparagine. This variant is not present in population databases (ExAC no frequency). This variant has not been reported in the literature in individuals with SBF2-related disease. Algorithms developed to predict the effect of missense changes on protein structure and function (SIFT, PolyPhen-2, Align-GVGD) all suggest that this variant is likely to be tolerated, but these predictions have not been confirmed by published functional studies and their clinical significance is uncertain. In summary, the available evidence is currently insufficient to determine the role of this variant in disease. Therefore, it has been classified as a Variant of Uncertain Significance.

NM_030962.4(SBF2):c.1768G>A (p.Asp590Asn)

Gene: SBF2 (SET binding factor 2; minus strand). Cytogenetic location: 11p15.4.
Variant type: single nucleotide variant.
Coding change: c.1768G>A on transcript NM_030962.4 (MANE Select); coding-DNA position 1768, G replaced by A.
Protein change: p.Asp590Asn; replaces aspartic acid 590 with asparagine.
Molecular consequence: missense variant.
Genome position (GRCh38, 1-based): chr11:9,962,049, C>T on the plus strand (G>A on the coding strand, the complement: SBF2 is on the minus strand). VCF-style: chr11-9962049-C-T. GRCh37 (hg19) VCF-style: chr11-9983596-C-T.
Other names: c.1768G>A, p.Asp590Asn (NM_001386339.1); c.1639G>A, p.Asp547Asn (NM_001386342.1); short protein forms D590N, D547N.
Identifiers: ClinVar variation 566094 (VCV000566094.9), dbSNP rs1565064376, ClinGen allele CA379644465.